The following is an entry in ClinVar:

NM_201384.3(PLEC):c.6845G>A (p.Arg2282Gln)

Gene: PLEC (plectin; minus strand). Cytogenetic location: 8q24.3.
Variant type: single nucleotide variant.
Coding change: c.6845G>A on transcript NM_201384.3 (MANE Select); coding-DNA position 6845, G replaced by A.
Protein change: p.Arg2282Gln; replaces arginine 2282 with glutamine.
Molecular consequence: missense variant.
Genome position (GRCh38, 1-based): chr8:143,923,084, C>T on the plus strand (G>A on the coding strand, the complement: PLEC is on the minus strand). VCF-style: chr8-143923084-C-T. GRCh37 (hg19) VCF-style: chr8-144997252-C-T.
Other names: c.6926G>A, p.Arg2309Gln (NM_000445.5); c.6803G>A, p.Arg2268Gln (NM_201378.4); c.6779G>A, p.Arg2260Gln (NM_201379.3); c.7256G>A, p.Arg2419Gln (NM_201380.4); c.6749G>A, p.Arg2250Gln (NM_201381.3); c.6845G>A, p.Arg2282Gln (NM_201382.4); c.6857G>A, p.Arg2286Gln (NM_201383.3); short protein forms R2250Q, R2260Q, R2268Q, R2282Q, R2286Q, R2309Q, R2419Q.
Identifiers: ClinVar variation 514859 (VCV000514859.10), dbSNP rs782316711, ClinGen allele CA4925830.

ClinVar aggregate classification (germline): Conflicting classifications of pathogenicity. Review status: criteria provided, conflicting classifications (1 of 4 stars). 3 submissions from 3 submitters: Uncertain significance (2); Likely benign (1). Last evaluated 2025-09-16.

Conditions:
Epidermolysis bullosa simplex 5C, with pyloric atresia (EBS5C). Also called: PLEC-Related Epidermolysis Bullosa with Pyloric Atresia; Epidermolysis bullosa simplex with pyloric atresia; PLEC1-Related Epidermolysis Bullosa with Pyloric Atresia. Identifiers: Orphanet 158684, MedGen C2677349, MONDO:0012807, OMIM 612138.
Autosomal recessive limb-girdle muscular dystrophy type 2Q (LGMDR17). Also called: MUSCULAR DYSTROPHY, LIMB-GIRDLE, AUTOSOMAL RECESSIVE 17. Identifiers: Orphanet 254361, MedGen C3150989, MONDO:0013390, OMIM 613723.
Epidermolysis bullosa simplex 5B, with muscular dystrophy (EBS5B). Also called: Epidermolysis bullosa simplex with muscular dystrophy; EPIDERMOLYSIS BULLOSA SIMPLEX AND LIMB-GIRDLE MUSCULAR DYSTROPHY. Identifiers: Orphanet 257, MedGen C2931072, MONDO:0009181, OMIM 226670.
Epidermolysis bullosa simplex, Ogna type (EBS5A). Also called: Pidermolysis bullosa simplex 5A, Ogna type; EPIDERMOLYSIS BULLOSA SIMPLEX 5A, OGNA TYPE. Identifiers: Orphanet 79401, MedGen C0432317, MONDO:0007555, OMIM 131950.
Epidermolysis bullosa simplex with nail dystrophy (EBS5D). Identifiers: MedGen C4225309, MONDO:0014661, OMIM 616487.

Allele frequency attached by ClinVar (database versions not stated): gnomAD 0.00001; TOPMed 0.00002; gnomAD exomes 0.00004; ExAC 0.00005.
gnomAD v4.1: 27 of 1,607,902 alleles (0.0017%); highest among the groups gnomAD compares: Middle Eastern, 0.016%; no homozygotes.

Submissions (3):

Labcorp Genetics (formerly Invitae), Labcorp
Classification: Uncertain significance for Autosomal recessive limb-girdle muscular dystrophy type 2Q; Epidermolysis bullosa simplex, Ogna type; Epidermolysis bullosa simplex with nail dystrophy; Epidermolysis bullosa simplex 5C, with pyloric atresia; Epidermolysis bullosa simplex 5B, with muscular dystrophy. Last evaluated: 2025-09-16. Review status: criteria provided, single submitter. Criteria: Invitae Variant Classification Sherloc (09022015). Collection method: clinical testing. Allele origin: germline.
Comment: This sequence change replaces arginine, which is basic and polar, with glutamine, which is neutral and polar, at codon 2309 of the PLEC protein (p.Arg2309Gln). This variant is present in population databases (rs782316711, gnomAD 0.02%). This variant has not been reported in the literature in individuals affected with PLEC-related conditions. ClinVar contains an entry for this variant (Variation ID: 514859). An algorithm developed to predict the effect of missense changes on protein structure and function (PolyPhen-2) suggests that this variant is likely to be disruptive. In summary, the available evidence is currently insufficient to determine the role of this variant in disease. Therefore, it has been classified as a Variant of Uncertain Significance.

GeneDx
Classification: Likely benign. Last evaluated: 2018-01-22. Review status: criteria provided, single submitter. Criteria: GeneDx Variant Classification (06012015). Collection method: clinical testing. Allele origin: germline. Affected: yes.
Comment: This variant is considered likely benign or benign based on one or more of the following criteria: it is a conservative change, it occurs at a poorly conserved position in the protein, it is predicted to be benign by multiple in silico algorithms, and/or has population frequency not consistent with disease.

Athena Diagnostics
Classification: Uncertain significance. Last evaluated: 2017-11-15. Review status: criteria provided, single submitter. Criteria: Athena Diagnostics Criteria. Collection method: clinical testing. Allele origin: germline.